The following is an entry in ClinVar:

NM_012401.4(PLXNB2):c.2628C>T (p.Asp876=)

Gene: PLXNB2 (plexin B2; minus strand). Cytogenetic location: 22q13.33.
Variant type: single nucleotide variant.
Coding change: c.2628C>T on transcript NM_012401.4 (MANE Select); coding-DNA position 2628, C replaced by T.
Protein change: p.Asp876=; no amino-acid change (aspartic acid 876 retained).
Molecular consequence: synonymous variant.
Genome position (GRCh38, 1-based): chr22:50,283,388, G>A on the plus strand (C>T on the coding strand, the complement: PLXNB2 is on the minus strand). VCF-style: chr22-50283388-G-A. GRCh37 (hg19) VCF-style: chr22-50721817-G-A.
Other names: c.2628C>T, p.Asp876= (NM_001376864.1, NM_001376866.1, NM_001376867.1 and 18 more transcripts); c.2697C>T, p.Asp899= (NM_001376865.1); c.2535C>T, p.Asp845= (NM_001376886.1).
Identifiers: ClinVar variation 4534063 (VCV004534063.6).

ClinVar aggregate classification (germline): Likely benign (1 of 4 stars; one submission).

gnomAD v4.1: 187 of 1,613,180 alleles (0.012%); highest among the groups gnomAD compares: South Asian, 0.18%; 3 homozygotes.

Submission:

CeGaT Center for Human Genetics Tuebingen
Classification: Likely benign. Last evaluated: 2025-11-01. Review status: criteria provided, single submitter. Criteria: CeGaT Center For Human Genetics Tuebingen Variant Classification Criteria Version 2. Collection method: clinical testing. Allele origin: germline. Affected: yes. Observed: 1 variant allele.
Comment: PLXNB2: BP4, BP7